The following is an entry in ClinVar:

ClinVar aggregate classification (germline): Uncertain significance (1 of 4 stars; one submission).

Submission:

GeneDx
Classification: Uncertain significance. Last evaluated: 2019-08-28. Review status: criteria provided, single submitter. Criteria: GeneDx Variant Classification Process June 2021. Collection method: clinical testing. Allele origin: germline. Affected: yes.
Comment: Not observed in large population cohorts (Lek et al., 2016); In silico analysis, which includes protein predictors and evolutionary conservation, supports a deleterious effect; Has not been previously published as pathogenic or benign to our knowledge

NM_000475.5(NR0B1):c.1196A>G (p.Tyr399Cys)

Gene: NR0B1 (nuclear receptor subfamily 0 group B member 1; minus strand). Cytogenetic location: Xp21.2.
Variant type: single nucleotide variant.
Coding change: c.1196A>G on transcript NM_000475.5 (MANE Select); coding-DNA position 1196, A replaced by G.
Protein change: p.Tyr399Cys; replaces tyrosine 399 with cysteine.
Molecular consequence: missense variant.
Genome position (GRCh38, 1-based): chrX:30,304,796, T>C on the plus strand (A>G on the coding strand, the complement: NR0B1 is on the minus strand). VCF-style: chrX-30304796-T-C. GRCh37 (hg19) VCF-style: chrX-30322913-T-C.
Other names: short protein forms Y399C.
Identifiers: ClinVar variation 1308081 (VCV001308081.2), dbSNP rs2147004433, ClinGen allele CA412545644.